The following is an entry in ClinVar:

ClinVar aggregate classification (germline): Benign. Review status: criteria provided, multiple submitters, no conflicts (2 of 4 stars). 3 submissions from 3 submitters: Benign (2). 1 of the submissions does not count toward it. Last evaluated 2025-06-25.

Conditions:
CELSR2-related disorder. Also called: CELSR2-related condition.

Allele frequency attached by ClinVar (database versions not stated): gnomAD exomes 0.00183; ExAC 0.00209; 1000 Genomes Project 0.00519; ESP Exome Variant Server 0.00531; gnomAD 0.00561 and 0.00611; 1000 Genomes Project 30x 0.00593; TOPMed 0.00640.
gnomAD v4.1: 2,113 of 1,613,474 alleles (0.13%); highest among the groups gnomAD compares: African/African-American, 1.9%; 13 homozygotes.

Submissions (3):

Labcorp Genetics (formerly Invitae), Labcorp
Classification: Benign. Last evaluated: 2025-06-25. Review status: criteria provided, single submitter. Criteria: Invitae Variant Classification Sherloc (09022015). Collection method: clinical testing. Allele origin: germline.

Breakthrough Genomics
Classification: Benign. Review status: criteria provided, single submitter. Criteria: ACMG Guidelines, 2015. Collection method: not provided. Allele origin: germline. Inheritance: Unknown mechanism. Affected: yes.

PreventionGenetics, part of Exact Sciences
Classification: Benign for CELSR2-related condition. Last evaluated: 2019-05-22. Review status: no assertion criteria provided. Collection method: clinical testing. Allele origin: germline. Not counted in ClinVar's aggregate classification.
Comment: This variant is classified as benign based on ACMG/AMP sequence variant interpretation guidelines (Richards et al. 2015 PMID: 25741868, with internal and published modifications).

NM_001408.3(CELSR2):c.3197G>A (p.Arg1066Gln)

Genes: CELSR2 (cadherin EGF LAG seven-pass G-type receptor 2; plus strand), LOC110121283 (VISTA enhancer hs2216; plus strand). Cytogenetic location: 1p13.3.
Variant type: single nucleotide variant.
Coding change: c.3197G>A on transcript NM_001408.3 (MANE Select); coding-DNA position 3197, G replaced by A.
Protein change: p.Arg1066Gln; replaces arginine 1066 with glutamine.
Molecular consequence: missense variant.
Genome position (GRCh38, 1-based): chr1:109,253,276, G>A. VCF-style: chr1-109253276-G-A. GRCh37 (hg19) VCF-style: chr1-109795898-G-A.
Other names: short protein forms R1066Q.
Identifiers: ClinVar variation 777929 (VCV000777929.11), dbSNP rs12083590, ClinGen allele CA986880.
Genomic context (GRCh38, chr1:109,253,276, plus strand): 5'-TTGGCCGAGTACCTGCCCATGACCCTGATATCTCAGATAGTCTGACTTACAGCTTTGAGC[G>A]GGGAAATGAACTCAGCCTGGTCCTGCTCAATGCCTCCACGGGTGAGCTGAAGCTAAGCCG-3'
Protein context (NP_001399.1, residues 1056-1076): ISDSLTYSFE[Arg1066Gln]GNELSLVLLN